The following is an entry in ClinVar:

NM_032383.5(HPS3):c.2887+18_2887+19dup

Genes: CP (ceruloplasmin; minus strand), HPS3 (HPS3 biogenesis of lysosomal organelles complex 2 subunit 1; plus strand). Cytogenetic location: 3q24.
Variant type: Duplication.
Coding change: c.2887+18_2887+19dup on transcript NM_032383.5 (MANE Select); bases 18 to 19 of the intron after coding-DNA position 2887, 2 bases duplicated (TT; older notation c.2887+18_2887+19dupTT).
Molecular consequence: intron variant.
Genome position (GRCh38, 1-based): chr3:149,168,001-149,168,002, TT duplicated; duplicating any 2 consecutive bases within chr3:149,167,993-149,168,002 gives the same sequence; the c. name uses the placement nearest the transcript's 3' end. VCF-style (leftmost placement, unchanged base first): chr3-149167992-A-ATT. GRCh37 (hg19) VCF-style: chr3-148885779-A-ATT.
Other names: p.?; c.2392+18_2392+19dup (NM_001308258.2).
Identifiers: ClinVar variation 1169104 (VCV001169104.12), dbSNP rs397710976, ClinGen allele CA2660492.

ClinVar aggregate classification (germline): Benign/Likely benign. Review status: criteria provided, multiple submitters, no conflicts (2 of 4 stars). 4 submissions from 4 submitters: Benign (2); Likely benign (1). 1 of the submissions does not count toward it. Last evaluated 2026-02-04.

Conditions:
Hermansky-Pudlak syndrome (HPS). Also called: ALBINISM WITH HEMORRHAGIC DIATHESIS AND PIGMENTED RETICULOENDOTHELIAL CELLS. Identifiers: Orphanet 79430, MedGen C0079504, MONDO:0019312.

Submissions (4):

Labcorp Genetics (formerly Invitae), Labcorp
Classification: Benign. Last evaluated: 2026-02-04. Review status: criteria provided, single submitter. Criteria: Invitae Variant Classification Sherloc (09022015). Collection method: clinical testing. Allele origin: germline.

Blueprint Genetics
Classification: Likely benign. Last evaluated: 2024-11-22. Review status: criteria provided, single submitter. Criteria: ACMG Guidelines, 2015. Collection method: clinical testing. Allele origin: germline.

Mayo Clinic Laboratories, Mayo Clinic
Classification: Benign. Last evaluated: 2024-08-07. Review status: criteria provided, single submitter. Criteria: ACMG Guidelines, 2015. Collection method: clinical testing. Allele origin: germline. Observed: 4 variant alleles.
Comment: BS1, BS2, BP4, BP7

Natera, Inc.
Classification: Benign for Hermansky-Pudlak syndrome. Last evaluated: 2019-09-27. Review status: no assertion criteria provided. Collection method: clinical testing. Allele origin: germline. Not counted in ClinVar's aggregate classification.